The following is an entry in ClinVar:

ClinVar aggregate classification (germline): Uncertain significance (1 of 4 stars; one submission).

Conditions:
Generalized epilepsy with febrile seizures plus, type 7 (GEFSP7). Also called: GEFS+, TYPE 7. Identifiers: Orphanet 36387, MedGen C2751778, MONDO:0013470, OMIM 613863.
Neuropathy, hereditary sensory and autonomic, type 2A (HSAN2A). Also called: MORVAN DISEASE; NEUROPATHY, CONGENITAL SENSORY; NEUROPATHY, HEREDITARY SENSORY RADICULAR, AUTOSOMAL RECESSIVE; NEUROPATHY, HEREDITARY SENSORY, TYPE IIA; NEUROPATHY, PROGRESSIVE SENSORY, OF CHILDREN; WNK1-Related HSAN2 (HSAN2A). Identifiers: Orphanet 970, MedGen C2752089, MONDO:0024309, OMIM 201300.

Allele frequency attached by ClinVar (database versions not stated): TOPMed below 0.00001.
gnomAD v4.1: 5 of 1,614,118 alleles (0.00031%); highest among the groups gnomAD compares: Non-Finnish European, 0.00025%; no homozygotes.

Submission:

Labcorp Genetics (formerly Invitae), Labcorp
Classification: Uncertain significance for Neuropathy, hereditary sensory and autonomic, type 2A; Generalized epilepsy with febrile seizures plus, type 7. Last evaluated: 2023-12-11. Review status: criteria provided, single submitter. Criteria: Invitae Variant Classification Sherloc (09022015). Collection method: clinical testing. Allele origin: germline.
Comment: This sequence change replaces valine, which is neutral and non-polar, with phenylalanine, which is neutral and non-polar, at codon 1709 of the SCN9A protein (p.Val1709Phe). This variant is not present in population databases (gnomAD no frequency). This variant has not been reported in the literature in individuals affected with SCN9A-related conditions. ClinVar contains an entry for this variant (Variation ID: 573634). Advanced modeling of protein sequence and biophysical properties (such as structural, functional, and spatial information, amino acid conservation, physicochemical variation, residue mobility, and thermodynamic stability) performed at Invitae indicates that this missense variant is not expected to disrupt SCN9A protein function with a negative predictive value of 95%. In summary, the available evidence is currently insufficient to determine the role of this variant in disease. Therefore, it has been classified as a Variant of Uncertain Significance.

NM_001365536.1(SCN9A):c.5158G>T (p.Val1720Phe)

Genes: SCN9A (sodium voltage-gated channel alpha subunit 9; minus strand), SCN1A-AS1 (SCN1A and SCN9A antisense RNA 1; plus strand). Cytogenetic location: 2q24.3.
Variant type: single nucleotide variant.
Coding change: c.5158G>T on transcript NM_001365536.1 (MANE Select); coding-DNA position 5158, G replaced by T.
Protein change: p.Val1720Phe; replaces valine 1720 with phenylalanine.
Molecular consequence: missense variant.
Genome position (GRCh38, 1-based): chr2:166,199,481, C>A on the plus strand (G>T on the coding strand, the complement: SCN9A is on the minus strand). VCF-style: chr2-166199481-C-A. GRCh37 (hg19) VCF-style: chr2-167055991-C-A.
Other names: c.5125G>T, p.Val1709Phe (NM_002977.4); short protein forms V1709F, V1720F.
Identifiers: ClinVar variation 573634 (VCV000573634.9), dbSNP rs1303872643, ClinGen allele CA349054454.